The following is an entry in ClinVar:

ClinVar aggregate classification (germline): Conflicting classifications of pathogenicity. Review status: criteria provided, conflicting classifications (1 of 4 stars). 4 submissions from 4 submitters: Likely pathogenic (1); Uncertain significance (3). Last evaluated 2026-06-26.

Conditions:
Cardiovascular phenotype. Identifiers: MedGen CN230736.
Long QT syndrome (LQTS). Identifiers: MedGen C0023976, MeSH D008133, MONDO:0002442. Disease mechanism: loss of function. Inheritance: Various modes of inheritance.

Submissions (4):

GeneDx
Classification: Likely pathogenic. Last evaluated: 2026-06-26. Review status: criteria provided, single submitter. Criteria: GeneDx Variant Classification Process June 2021. Collection method: clinical testing. Allele origin: germline.
Comment: Not observed at significant frequency in large population cohorts (gnomAD); In silico analysis supports that this missense variant has a deleterious effect on protein structure/function; Has not been previously published as pathogenic or benign to our knowledge; This variant is associated with the following publications: (PMID: 16931984, 15466642)

Ambry Genetics
Classification: Uncertain significance for Cardiovascular phenotype. Last evaluated: 2025-12-17. Review status: criteria provided, single submitter. Criteria: Ambry Variant Classification Scheme 2023. Collection method: clinical testing. Allele origin: germline.
Comment: The p.A344T variant (also known as c.1030G>A), located in coding exon 7 of the KCNQ1 gene, results from a G to A substitution at nucleotide position 1030. The alanine at codon 344 is replaced by threonine, an amino acid with similar properties. This amino acid position is highly conserved in available vertebrate species. In addition, this alteration is predicted to be deleterious by in silico analysis. Based on the available evidence, the clinical significance of this variant remains unclear.

Labcorp Genetics (formerly Invitae), Labcorp
Classification: Uncertain significance for Long QT syndrome. Last evaluated: 2023-09-26. Review status: criteria provided, single submitter. Criteria: Invitae Variant Classification Sherloc (09022015). Collection method: clinical testing. Allele origin: germline.
Comment: This sequence change replaces alanine, which is neutral and non-polar, with threonine, which is neutral and polar, at codon 344 of the KCNQ1 protein (p.Ala344Thr). This variant is not present in population databases (gnomAD no frequency). This variant has not been reported in the literature in individuals affected with KCNQ1-related conditions. ClinVar contains an entry for this variant (Variation ID: 449042). An algorithm developed to predict the effect of missense changes on protein structure and function (PolyPhen-2) suggests that this variant is likely to be disruptive. In summary, the available evidence is currently insufficient to determine the role of this variant in disease. Therefore, it has been classified as a Variant of Uncertain Significance.

All of Us Research Program, National Institutes of Health
Classification: Uncertain significance for Long QT syndrome. Last evaluated: 2023-06-26. Review status: criteria provided, single submitter. Criteria: ACMG Guidelines, 2015. Collection method: clinical testing. Allele origin: germline. Inheritance: Autosomal dominant inheritance. Observed: 1 variant allele, 1 heterozygote.
Comment: This missense variant replaces alanine with threonine at codon 344 of the KCNQ1 protein. Computational prediction suggests that this variant may have deleterious impact on protein structure and function (internally defined REVEL score threshold >= 0.7, PMID: 27666373). To our knowledge, functional studies have not been reported for this variant. This variant has not been reported in individuals affected with KCNQ1-related disorders in the literature. This variant has not been identified in the general population by the Genome Aggregation Database (gnomAD). The available evidence is insufficient to determine the role of this variant in disease conclusively. Therefore, this variant is classified as a Variant of Uncertain Significance.

This study involves interpretation of variants in research participants for the purpose of population health screening. Participant phenotype was not available at the time of variant classification. Additional details can be found in publication PMID: 35346344, PMCID: PMC8962531

NM_000218.3(KCNQ1):c.1030G>A (p.Ala344Thr)

Gene: KCNQ1 (potassium voltage-gated channel subfamily Q member 1; plus strand). Cytogenetic location: 11p15.5.
Variant type: single nucleotide variant.
Coding change: c.1030G>A on transcript NM_000218.3 (MANE Select); coding-DNA position 1030, G replaced by A.
Protein change: p.Ala344Thr; replaces alanine 344 with threonine.
Molecular consequence: missense variant.
Genome position (GRCh38, 1-based): chr11:2,583,543, G>A. VCF-style: chr11-2583543-G-A. GRCh37 (hg19) VCF-style: chr11-2604773-G-A.
Other names: c.1030G>A, p.Ala344Thr (NM_001406836.1); c.760G>A, p.Ala254Thr (NM_001406837.1); c.586G>A, p.Ala196Thr (NM_001406838.1); c.649G>A, p.Ala217Thr (NM_181798.2); short protein forms A217T, A344T, A254T, A196T.
Identifiers: ClinVar variation 449042 (VCV000449042.15), dbSNP rs1554894481, ClinGen allele CA379133132.